The following is an entry in ClinVar:

NM_001029896.2(WDR45):c.973+5_973+10del

Gene: WDR45 (WD repeat domain 45; minus strand). Cytogenetic location: Xp11.23.
Variant type: Deletion.
Coding change: c.973+5_973+10del on transcript NM_001029896.2 (MANE Select); bases 5 to 10 of the intron after coding-DNA position 973, 6 bases deleted (GTGGGA; older notation c.973+5_973+10delGTGGGA).
Molecular consequence: intron variant.
Genome position (GRCh38, 1-based): chrX:49,075,126-49,075,131, TCCCAC deleted on the plus strand (GTGGGA on the coding strand, the reverse complement: WDR45 is on the minus strand); deleting any 6 consecutive bases within chrX:49,075,126-49,075,133 gives the same sequence; the c. name uses the placement nearest the transcript's 3' end. VCF-style (leftmost placement, unchanged base first): chrX-49075125-TTCCCAC-T. GRCh37 (hg19) VCF-style: chrX-48932784-TTCCCAC-T.
Other names: c.976+5_976+10del (NM_007075.4); c.976+5_976+10delGTGGGA (NM_007075.3).
Identifiers: ClinVar variation 589376 (VCV000589376.5), dbSNP rs1569523436, ClinGen allele CA891843832.
Genomic context (GRCh38, chrX:49,075,125, plus strand): 5'-ATCCTTTCAGGTCCAACCTGCAGGCCTTTGCCCCATGCAGTACCCCCAACCAAGGGGCTG[TTCCCAC>T]TCACCAATGACAGAGTTGACGTTCTTGGAAGTATTGCGACCGAAGGCGCAGATGCAAGCT-3'

ClinVar aggregate classification (germline): Likely pathogenic (1 of 4 stars; one submission).

Conditions:
Inborn genetic diseases. Identifiers: MedGen C0950123, MeSH D030342.

Submission:

Ambry Genetics
Classification: Likely pathogenic for Inborn genetic diseases. Last evaluated: 2018-11-07. Review status: criteria provided, single submitter. Criteria: Ambry Variant Classification Scheme 2023. Collection method: clinical testing. Allele origin: germline.
Comment: The c.976+5_976+10delGTGGGA intronic variant, located in intron 9 of the WDR45 gene, results from a deletion of 6 nucleotides within intron 9 of the WDR45 gene. This variant has been determined to be the result of a de novo mutation or germline mosaicism in one family with an isolated case of developmental delay, intellectual disability and seizures (Ambry internal data). This variant was not reported in population-based cohorts in the Genome Aggregation Database (gnomAD) (Lek M et al. Nature, 2016 08;536:285-91). Using two different splice site prediction tools, this alteration is predicted by BDGP to abolish the native splice donor site, but is predicted to weaken (but not abolish) the efficiency of the native splice donor site by ESEfinder. In addition, RNA studies have demonstrated that this alteration results in abnormal splicing in the set of samples tested (Ambry internal data). Based on the majority of available evidence to date, this variant is likely to be pathogenic.